The following is an entry in ClinVar:

NM_203486.3(DLL3):c.20C>G (p.Ser7Cys)

Gene: DLL3 (delta like canonical Notch ligand 3; plus strand). Cytogenetic location: 19q13.2.
Variant type: single nucleotide variant.
Coding change: c.20C>G on transcript NM_203486.3 (MANE Select); coding-DNA position 20, C replaced by G.
Protein change: p.Ser7Cys; replaces serine 7 with cysteine.
Molecular consequence: missense variant.
Genome position (GRCh38, 1-based): chr19:39,498,994, C>G. VCF-style: chr19-39498994-C-G. GRCh37 (hg19) VCF-style: chr19-39989634-C-G.
Other names: c.20C>G, p.Ser7Cys (NM_016941.4); short protein forms S7C.
Identifiers: ClinVar variation 4728668 (VCV004728668.1).

ClinVar aggregate classification (germline): Uncertain significance (1 of 4 stars; one submission).

Submission:

Labcorp Genetics (formerly Invitae), Labcorp
Classification: Uncertain significance. Last evaluated: 2025-12-15. Review status: criteria provided, single submitter. Criteria: Invitae Variant Classification Sherloc (09022015). Collection method: clinical testing. Allele origin: germline.
Comment: This sequence change replaces serine, which is neutral and polar, with cysteine, which is neutral and slightly polar, at codon 7 of the DLL3 protein (p.Ser7Cys). This variant is not present in population databases (gnomAD no frequency). This variant has not been reported in the literature in individuals affected with DLL3-related conditions. An algorithm developed to predict the effect of missense changes on protein structure and function (PolyPhen-2) suggests that this variant is likely to be tolerated. In summary, the available evidence is currently insufficient to determine the role of this variant in disease. Therefore, it has been classified as a Variant of Uncertain Significance.